The following is an entry in ClinVar:

ClinVar aggregate classification (germline): Uncertain significance (1 of 4 stars; one submission).

Conditions:
Aneurysm-osteoarthritis syndrome. Also called: ANEURYSMS-OSTEOARTHRITIS SYNDROME; Loeys-Dietz syndrome, type 1C; LOEYS-DIETZ SYNDROME WITH OSTEOARTHRITIS; SMAD3-Related Loeys-Dietz Syndrome. Identifiers: Orphanet 284984, MedGen C3151087, MONDO:0013426, OMIM 613795.

Submission:

3billion
Classification: Uncertain significance for Aneurysm-osteoarthritis syndrome. Last evaluated: 2025-01-23. Review status: criteria provided, single submitter. Criteria: ACMG Guidelines, 2015. Collection method: clinical testing. Allele origin: germline. Affected: yes.
Comment: The variant is not observed in the gnomAD v4.1.0 dataset. Predicted Consequence/Location: Missense variant In silico tool predictions suggest damaging effect of the variant on gene or gene product [REVEL: 0.91 (>=0.6, sensitivity 0.68 and specificity 0.92); 3Cnet: 0.85 (>=0.6, sensitivity 0.72 and precision 0.9)]. Different missense changes at the same codon have been reported as VUS and likely pathogenic (ClinVar ID: VCV000264116). Therefore, this variant is classified as VUS according to the recommendation of ACMG/AMP guideline.

NM_005902.4(SMAD3):c.370C>G (p.Pro124Ala)

Gene: SMAD3 (SMAD family member 3; plus strand). Cytogenetic location: 15q22.33.
Variant type: single nucleotide variant.
Coding change: c.370C>G on transcript NM_005902.4 (MANE Select); coding-DNA position 370, C replaced by G.
Protein change: p.Pro124Ala; replaces proline 124 with alanine.
Molecular consequence: missense variant.
Genome position (GRCh38, 1-based): chr15:67,165,058, C>G. VCF-style: chr15-67165058-C-G. GRCh37 (hg19) VCF-style: chr15-67457396-C-G.
Other names: c.55C>G, p.Pro19Ala (NM_001145102.2, NM_001407015.1, NM_001407016.1); c.238C>G, p.Pro80Ala (NM_001145103.2); c.370C>G, p.Pro124Ala (NM_001407011.1, NM_001407012.1, NM_001407013.1); c.223C>G, p.Pro75Ala (NM_001407014.1); short protein forms P124A, P19A, P75A, P80A.
Identifiers: ClinVar variation 4293701 (VCV004293701.1).